The following is an entry in ClinVar:

NM_001365999.1(SZT2):c.9135C>G (p.Phe3045Leu)

Gene: SZT2 (SZT2 subunit of KICSTOR complex; plus strand). Cytogenetic location: 1p34.2.
Variant type: single nucleotide variant.
Coding change: c.9135C>G on transcript NM_001365999.1 (MANE Select); coding-DNA position 9135, C replaced by G.
Protein change: p.Phe3045Leu; replaces phenylalanine 3045 with leucine.
Molecular consequence: missense variant.
Genome position (GRCh38, 1-based): chr1:43,447,017, C>G. VCF-style: chr1-43447017-C-G. GRCh37 (hg19) VCF-style: chr1-43912688-C-G.
Other names: c.8964C>G, p.Phe2988Leu (NM_015284.4); c.8964C>G (NM_015284.3); short protein forms F2988L, F3045L.
Identifiers: ClinVar variation 1022509 (VCV001022509.9), dbSNP rs764999545, ClinGen allele CA810830.

ClinVar aggregate classification (germline): Uncertain significance. Review status: criteria provided, multiple submitters, no conflicts (2 of 4 stars). 4 submissions from 4 submitters: Uncertain significance (4). Last evaluated 2025-10-02.

Conditions:
Inborn genetic diseases. Identifiers: MedGen C0950123, MeSH D030342.

Allele frequency attached by ClinVar (database versions not stated): gnomAD exomes below 0.00001 and 0.00001; ExAC 0.00001; gnomAD 0.00002 and 0.00003; TOPMed 0.00004.
gnomAD v4.1: 9 of 1,613,796 alleles (0.00056%); highest among the groups gnomAD compares: Admixed American, 0.0083%; no homozygotes.

Submissions (4):

Ambry Genetics
Classification: Uncertain significance for Inborn genetic diseases. Last evaluated: 2025-10-02. Review status: criteria provided, single submitter. Criteria: Ambry Variant Classification Scheme 2023. Collection method: clinical testing. Allele origin: germline.

GeneDx
Classification: Uncertain significance. Last evaluated: 2025-08-02. Review status: criteria provided, single submitter. Criteria: GeneDx Variant Classification Process June 2021. Collection method: clinical testing. Allele origin: germline. Affected: yes.
Comment: Not observed at significant frequency in large population cohorts (gnomAD); In silico analysis supports that this missense variant has a deleterious effect on protein structure/function; Has not been previously published as pathogenic or benign to our knowledge

Labcorp Genetics (formerly Invitae), Labcorp
Classification: Uncertain significance. Last evaluated: 2024-10-09. Review status: criteria provided, single submitter. Criteria: Invitae Variant Classification Sherloc (09022015). Collection method: clinical testing. Allele origin: germline.
Comment: This sequence change replaces phenylalanine, which is neutral and non-polar, with leucine, which is neutral and non-polar, at codon 2988 of the SZT2 protein (p.Phe2988Leu). This variant is present in population databases (rs764999545, gnomAD 0.007%). This variant has not been reported in the literature in individuals affected with SZT2-related conditions. ClinVar contains an entry for this variant (Variation ID: 1022509). Invitae Evidence Modeling of protein sequence and biophysical properties (such as structural, functional, and spatial information, amino acid conservation, physicochemical variation, residue mobility, and thermodynamic stability) indicates that this missense variant is expected to disrupt SZT2 protein function with a positive predictive value of 80%. In summary, the available evidence is currently insufficient to determine the role of this variant in disease. Therefore, it has been classified as a Variant of Uncertain Significance.

Women's Health and Genetics/Laboratory Corporation of America, LabCorp
Classification: Uncertain significance. Last evaluated: 2024-04-02. Review status: criteria provided, single submitter. Criteria: LabCorp Variant Classification Summary - May 2015. Collection method: clinical testing. Allele origin: germline.
Comment: Variant summary: SZT2 c.8964C>G (p.Phe2988Leu) results in a non-conservative amino acid change in the encoded protein sequence. Three of four in-silico tools predict a damaging effect of the variant on protein function. The variant allele was found at a frequency of 1.2e-05 in 250890 control chromosomes. The available data on variant occurrences in the general population are insufficient to allow any conclusion about variant significance. To our knowledge, no occurrence of c.8964C>G in individuals affected with Early Infantile Epileptic Encephalopathy 18 and no experimental evidence demonstrating its impact on protein function have been reported. ClinVar contains an entry for this variant (Variation ID: 1022509). Based on the evidence outlined above, the variant was classified as uncertain significance.